The following is an entry in ClinVar:

NM_133259.4(LRPPRC):c.3148+14G>A

Gene: LRPPRC (leucine rich pentatricopeptide repeat containing; minus strand). Cytogenetic location: 2p21.
Variant type: single nucleotide variant.
Coding change: c.3148+14G>A on transcript NM_133259.4 (MANE Select); 14 bases into the intron after coding-DNA position 3148, G replaced by A.
Molecular consequence: intron variant.
Genome position (GRCh38, 1-based): chr2:43,918,011, C>T on the plus strand (G>A on the coding strand, the complement: LRPPRC is on the minus strand). VCF-style: chr2-43918011-C-T. GRCh37 (hg19) VCF-style: chr2-44145150-C-T.
Identifiers: ClinVar variation 378099 (VCV000378099.1), dbSNP rs555356354, ClinGen allele CA16604486.
Genomic context (GRCh38, chr2:43,918,011, plus strand): 5'-GGGCTTACACCCCACACTGCTATTAGAAAGAAGACCACCCCCCCACACACACCCCCATCC[C>T]CGTATGTGCTTGCCTTTTTTTTGGTTCAATCGGCAGGCAATCAATATATCTTTCTGGAAA-3'

ClinVar aggregate classification (germline): Likely benign (1 of 4 stars; one submission).

gnomAD v4.1: 3 of 1,579,024 alleles (0.00019%); highest among the groups gnomAD compares: Non-Finnish European, 0.00026%; no homozygotes.

Submission:

GeneDx
Classification: Likely benign. Last evaluated: 2015-10-23. Review status: criteria provided, single submitter. Criteria: GeneDx Variant Classification (06012015). Collection method: clinical testing. Allele origin: germline. Affected: yes.
Comment: This variant is considered likely benign or benign based on one or more of the following criteria: it is a conservative change, it occurs at a poorly conserved position in the protein, it is predicted to be benign by multiple in silico algorithms, and/or has population frequency not consistent with disease.